The following is an entry in ClinVar:

NM_201384.3(PLEC):c.7984G>A (p.Gly2662Ser)

Gene: PLEC (plectin; minus strand). Cytogenetic location: 8q24.3.
Variant type: single nucleotide variant.
Coding change: c.7984G>A on transcript NM_201384.3 (MANE Select); coding-DNA position 7984, G replaced by A.
Protein change: p.Gly2662Ser; replaces glycine 2662 with serine.
Molecular consequence: missense variant.
Genome position (GRCh38, 1-based): chr8:143,921,837, C>T on the plus strand (G>A on the coding strand, the complement: PLEC is on the minus strand). VCF-style: chr8-143921837-C-T. GRCh37 (hg19) VCF-style: chr8-144996005-C-T.
Other names: c.8065G>A, p.Gly2689Ser (NM_000445.5); c.7942G>A, p.Gly2648Ser (NM_201378.4); c.7918G>A, p.Gly2640Ser (NM_201379.3); c.8395G>A, p.Gly2799Ser (NM_201380.4); c.7888G>A, p.Gly2630Ser (NM_201381.3); c.7984G>A, p.Gly2662Ser (NM_201382.4); c.7996G>A, p.Gly2666Ser (NM_201383.3); short protein forms G2630S, G2640S, G2648S, G2662S, G2666S, G2689S, G2799S.
Identifiers: ClinVar variation 1015307 (VCV001015307.5), dbSNP rs782786410, ClinGen allele CA187612455.

ClinVar aggregate classification (germline): Uncertain significance (1 of 4 stars; one submission).

Conditions:
Epidermolysis bullosa simplex 5B, with muscular dystrophy (EBS5B). Also called: EPIDERMOLYSIS BULLOSA SIMPLEX AND LIMB-GIRDLE MUSCULAR DYSTROPHY; Epidermolysis bullosa simplex with muscular dystrophy. Identifiers: Orphanet 257, MedGen C2931072, MONDO:0009181, OMIM 226670.
Epidermolysis bullosa simplex, Ogna type (EBS5A). Also called: EPIDERMOLYSIS BULLOSA SIMPLEX 5A, OGNA TYPE; Pidermolysis bullosa simplex 5A, Ogna type. Identifiers: Orphanet 79401, MedGen C0432317, MONDO:0007555, OMIM 131950.
Epidermolysis bullosa simplex 5C, with pyloric atresia (EBS5C). Also called: Epidermolysis bullosa simplex with pyloric atresia; PLEC-Related Epidermolysis Bullosa with Pyloric Atresia; PLEC1-Related Epidermolysis Bullosa with Pyloric Atresia. Identifiers: Orphanet 158684, MedGen C2677349, MONDO:0012807, OMIM 612138.
Autosomal recessive limb-girdle muscular dystrophy type 2Q (LGMDR17). Also called: MUSCULAR DYSTROPHY, LIMB-GIRDLE, AUTOSOMAL RECESSIVE 17. Identifiers: Orphanet 254361, MedGen C3150989, MONDO:0013390, OMIM 613723.
Epidermolysis bullosa simplex with nail dystrophy (EBS5D). Identifiers: MedGen C4225309, MONDO:0014661, OMIM 616487.

Allele frequency attached by ClinVar (database versions not stated): gnomAD exomes 0.00001; TOPMed 0.00002.
gnomAD v4.1: 19 of 1,605,984 alleles (0.0012%); highest among the groups gnomAD compares: South Asian, 0.0033%; no homozygotes.

Submission:

Labcorp Genetics (formerly Invitae), Labcorp
Classification: Uncertain significance for Autosomal recessive limb-girdle muscular dystrophy type 2Q; Epidermolysis bullosa simplex, Ogna type; Epidermolysis bullosa simplex with nail dystrophy; Epidermolysis bullosa simplex 5C, with pyloric atresia; Epidermolysis bullosa simplex 5B, with muscular dystrophy. Last evaluated: 2024-02-24. Review status: criteria provided, single submitter. Criteria: Invitae Variant Classification Sherloc (09022015). Collection method: clinical testing. Allele origin: germline.
Comment: This sequence change replaces glycine, which is neutral and non-polar, with serine, which is neutral and polar, at codon 2689 of the PLEC protein (p.Gly2689Ser). This variant is present in population databases (rs782786410, gnomAD 0.007%). This variant has not been reported in the literature in individuals affected with PLEC-related conditions. ClinVar contains an entry for this variant (Variation ID: 1015307). An algorithm developed to predict the effect of missense changes on protein structure and function (PolyPhen-2) suggests that this variant is likely to be disruptive. In summary, the available evidence is currently insufficient to determine the role of this variant in disease. Therefore, it has been classified as a Variant of Uncertain Significance.